The following is an entry in ClinVar:

ClinVar aggregate classification (germline): Uncertain significance (1 of 4 stars; one submission).

Conditions:
Catecholaminergic polymorphic ventricular tachycardia 1. Also called: VENTRICULAR TACHYCARDIA, CATECHOLAMINERGIC POLYMORPHIC, 1, WITH OR WITHOUT ATRIAL DYSFUNCTION AND/OR DILATED CARDIOMYOPATHY; RYR2-Related Catecholaminergic Polymorphic Ventricular Tachycardia; VENTRICULAR TACHYCARDIA, STRESS-INDUCED POLYMORPHIC 1. Identifiers: Orphanet 3286, MedGen C1631597, MONDO:0011484, OMIM 604772.

Submission:

Labcorp Genetics (formerly Invitae), Labcorp
Classification: Uncertain significance for Catecholaminergic polymorphic ventricular tachycardia 1. Last evaluated: 2024-08-19. Review status: criteria provided, single submitter. Criteria: Invitae Variant Classification Sherloc (09022015). Collection method: clinical testing. Allele origin: germline.
Comment: This sequence change replaces proline, which is neutral and non-polar, with serine, which is neutral and polar, at codon 2703 of the RYR2 protein (p.Pro2703Ser). This variant is not present in population databases (gnomAD no frequency). This variant has not been reported in the literature in individuals affected with RYR2-related conditions. Invitae Evidence Modeling of protein sequence and biophysical properties (such as structural, functional, and spatial information, amino acid conservation, physicochemical variation, residue mobility, and thermodynamic stability) indicates that this missense variant is expected to disrupt RYR2 protein function with a positive predictive value of 95%. In summary, the available evidence is currently insufficient to determine the role of this variant in disease. Therefore, it has been classified as a Variant of Uncertain Significance.

NM_001035.3(RYR2):c.8107C>T (p.Pro2703Ser)

Gene: RYR2 (ryanodine receptor 2; plus strand). Cytogenetic location: 1q43.
Variant type: single nucleotide variant.
Coding change: c.8107C>T on transcript NM_001035.3 (MANE Select); coding-DNA position 8107, C replaced by T.
Protein change: p.Pro2703Ser; replaces proline 2703 with serine.
Molecular consequence: missense variant.
Genome position (GRCh38, 1-based): chr1:237,655,962, C>T. VCF-style: chr1-237655962-C-T. GRCh37 (hg19) VCF-style: chr1-237819262-C-T.
Other names: short protein forms P2703S.
Identifiers: ClinVar variation 3633811 (VCV003633811.2).
Genomic context (GRCh38, chr1:237,655,962, plus strand): 5'-TCAAATTATGTCAGTATGATGGAAAAACAGTCATCAATGGATTCTGAAGGGAACTTTAAC[C>T]CACAACCTGTTGATACCTCAAAGTATGGACTCTTTCTATTGCAGCAGATTTTTATTGTAA-3'
Protein context (NP_001026.2, residues 2693-2713): SSMDSEGNFN[Pro2703Ser]QPVDTSNITI